The following is an entry in ClinVar:

NM_000038.6(APC):c.2658G>T (p.Gln886His)

Gene: APC (APC regulator of Wnt signaling pathway; plus strand). Cytogenetic location: 5q22.2.
Variant type: single nucleotide variant.
Coding change: c.2658G>T on transcript NM_000038.6 (MANE Select); coding-DNA position 2658, G replaced by T.
Protein change: p.Gln886His; replaces glutamine 886 with histidine.
Molecular consequence: missense variant.
Genome position (GRCh38, 1-based): chr5:112,838,252, G>T. VCF-style: chr5-112838252-G-T. GRCh37 (hg19) VCF-style: chr5-112173949-G-T.
Other names: c.2658G>T, p.Gln886His (NM_001127510.3, NM_001354895.2); c.2604G>T, p.Gln868His (NM_001127511.3); c.2712G>T, p.Gln904His (NM_001354896.2); c.2688G>T, p.Gln896His (NM_001354897.2); c.2583G>T, p.Gln861His (NM_001354898.2); c.2574G>T, p.Gln858His (NM_001354899.2); c.2535G>T, p.Gln845His (NM_001354900.2); c.2481G>T, p.Gln827His (NM_001354901.2); and 5 more; short protein forms Q886H, Q868H, Q603H, Q760H, Q861H, Q785H, Q795H, Q858H.
Identifiers: ClinVar variation 135694 (VCV000135694.35), dbSNP rs587780593, ClinGen allele CA007712.

ClinVar aggregate classification (germline): Conflicting classifications of pathogenicity. Review status: criteria provided, conflicting classifications (1 of 4 stars). 14 submissions from 14 submitters: Uncertain significance (10); Likely benign (3). 1 of the submissions does not count toward it. Last evaluated 2026-01-26.

Conditions:
APC-related disorder. Also called: APC-related condition.
Gastric adenocarcinoma and proximal polyposis of the stomach (GAPPS). Also called: Polyposis, gastric, Dos Santos and de Magalhaes 1980; Gastric Adenocarcinoma and Proximal Polyposis of the Stomach (GAPPS); POLYPOSIS, GASTRIC. Identifiers: Orphanet 314022, MedGen C4749917, MONDO:0017790, OMIM 619182.
Classic or attenuated familial adenomatous polyposis. Identifiers: MedGen CN372698, MONDO:0021057.
APC-Associated Polyposis Disorders.
Hereditary cancer-predisposing syndrome. Also called: Neoplastic Syndromes, Hereditary; Tumor predisposition; Hereditary Cancer Syndrome; Hereditary neoplastic syndrome. Identifiers: Orphanet 140162, MedGen C0027672, MeSH D009386, MONDO:0015356.
Familial multiple polyposis syndrome (FAP). Also called: Familial Adenomatous Polyposis (FAP); Familial adenomatous polyposis; Familial intestinal polyposis; Familial polyposis; Classic familial adenomatous polyposis. Identifiers: Orphanet 733, MedGen C0032580, MONDO:0021055. Disease mechanism: loss of function.
Familial adenomatous polyposis 1 (FAP1). Also called: FAMILIAL ADENOMATOUS POLYPOSIS 1, ATTENUATED; POLYPOSIS, ADENOMATOUS INTESTINAL. Identifiers: MedGen C2713442, MONDO:0021056, OMIM 175100. Disease mechanism: loss of function.

Allele frequency attached by ClinVar (database versions not stated): gnomAD exomes below 0.00001; TOPMed 0.00001.
gnomAD v4.1: 46 of 1,614,086 alleles (0.0028%); highest among the groups gnomAD compares: Non-Finnish European, 0.0037%; no homozygotes.

Submissions (14):

PreventionGenetics, part of Exact Sciences
Classification: Uncertain significance for APC-related condition. Last evaluated: 2026-01-26. Review status: criteria provided, single submitter. Criteria: ACMG Guidelines, 2015. Collection method: clinical testing. Allele origin: germline.
Comment: The APC c.2658G>T variant is predicted to result in the amino acid substitution p.Gln886His. To our knowledge, this variant has not been reported in the literature. This variant is reported in 0.00088% of alleles in individuals of European (Non-Finnish) descent in gnomAD and has conflicting interpretations in ClinVar ranging from likely benign to uncertain (Variation ID: 135694). At this time, the clinical significance of this variant is uncertain due to the absence of conclusive functional and genetic evidence.

Labcorp Genetics (formerly Invitae), Labcorp
Classification: Uncertain significance for Familial adenomatous polyposis 1. Last evaluated: 2025-09-24. Review status: criteria provided, single submitter. Criteria: Invitae Variant Classification Sherloc (09022015). Collection method: clinical testing. Allele origin: germline.
Comment: This sequence change replaces glutamine, which is neutral and polar, with histidine, which is basic and polar, at codon 886 of the APC protein (p.Gln886His). This variant is present in population databases (rs587780593, gnomAD 0.0009%). This variant has not been reported in the literature in individuals affected with APC-related conditions. ClinVar contains an entry for this variant (Variation ID: 135694). Invitae Evidence Modeling of protein sequence and biophysical properties (such as structural, functional, and spatial information, amino acid conservation, physicochemical variation, residue mobility, and thermodynamic stability) indicates that this missense variant is not expected to disrupt APC protein function with a negative predictive value of 95%. In summary, the available evidence is currently insufficient to determine the role of this variant in disease. Therefore, it has been classified as a Variant of Uncertain Significance.

Quest Diagnostics Nichols Institute San Juan Capistrano
Classification: Uncertain significance. Last evaluated: 2025-06-19. Review status: criteria provided, single submitter. Criteria: Quest Diagnostics criteria. Collection method: clinical testing. Allele origin: unknown.
Comment: The APC c.2658G>T (p.Gln886His) variant has been reported in the published literature in an individual with breast or ovarian cancer (PMID: 27153395 (2016)). The frequency of this variant in the general population (Genome Aggregation Database) is uninformative in the assessment of its pathogenicity. Analysis of this variant using bioinformatics tools for the prediction of the effect of amino acid changes on protein structure and function yielded conflicting predictions that this variant is benign or damaging. Based on the available information, we are unable to determine the clinical significance of this variant.

Color Diagnostics, LLC DBA Color Health
Classification: Likely benign for Hereditary cancer-predisposing syndrome. Last evaluated: 2025-02-25. Review status: criteria provided, single submitter. Criteria: ACMG Guidelines, 2015. Collection method: clinical testing. Allele origin: germline.

All of Us Research Program, National Institutes of Health
Classification: Uncertain significance for Classic or attenuated familial adenomatous polyposis. Last evaluated: 2024-04-25. Review status: criteria provided, single submitter. Criteria: ACMG Guidelines, 2015. Collection method: clinical testing. Allele origin: germline. Inheritance: Autosomal dominant inheritance. Observed: 6 variant alleles, 6 heterozygotes.
Comment: This missense variant replaces glutamine with histidine at codon 886 of the APC protein. Computational prediction is inconclusive regarding the impact of this variant on protein structure and function (internally defined REVEL score threshold 0.5 < inconclusive < 0.7, PMID: 27666373). To our knowledge, functional studies have not been reported for this variant. This variant has not been reported in individuals affected with APC-related disorders in the literature. This variant has been identified in 1/250718 chromosomes in the general population by the Genome Aggregation Database (gnomAD). The available evidence is insufficient to determine the role of this variant in disease conclusively. Therefore, this variant is classified as a Variant of Uncertain Significance.

This study involves interpretation of variants in research participants for the purpose of population health screening. Participant phenotype was not available at the time of variant classification. Additional details can be found in publication PMID: 35346344, PMCID: PMC8962531

Baylor Genetics
Classification: Uncertain significance for Familial adenomatous polyposis 1. Last evaluated: 2023-09-04. Review status: criteria provided, single submitter. Criteria: ACMG Guidelines, 2015. Collection method: clinical testing. Allele origin: unknown.

St. Jude Molecular Pathology, St. Jude Children's Research Hospital
Classification: Uncertain significance for Gastric adenocarcinoma and proximal polyposis of the stomach. Last evaluated: 2023-08-01. Review status: criteria provided, single submitter. Criteria: St. Jude Assertion Criteria 2020. Collection method: clinical testing. Allele origin: germline.
Comment: The APC c.2658G>T (p.Gln886His) missense change has a maximum subpopulation frequency of 0.0008% in gnomAD v2.1.1. The in silico tool REVEL is inconclusive about a pathogenic or benign effect of this variant on protein function, and functional studies have not been performed. This variant has not been reported in the literature in individuals with APC-related disease. In summary, the evidence currently available is insufficient to determine the clinical significance of this variant. It has therefore been classified as of uncertain significance.?

Ambry Genetics
Classification: Likely benign for Hereditary cancer-predisposing syndrome. Last evaluated: 2023-03-24. Review status: criteria provided, single submitter. Criteria: Ambry Variant Classification Scheme 2023. Collection method: clinical testing. Allele origin: germline.

Myriad Genetics, Inc.
Classification: Uncertain significance for Familial adenomatous polyposis 1. Last evaluated: 2023-02-21. Review status: criteria provided, single submitter. Criteria: Myriad Autosomal Dominant, Autosomal Recessive and X-Linked Classification Criteria (2023). Collection method: clinical testing. Allele origin: unknown.
Comment: This variant is classified as a variant of uncertain significance as there is insufficient evidence to determine its impact on protein function and/or cancer risk.

Department of Pathology and Laboratory Medicine, Sinai Health System
Classification: Uncertain significance for classic or attenuated familial adenomatous polyposis. Last evaluated: 2020-10-09. Review status: criteria provided, single submitter. Criteria: ACMG Guidelines, 2015. Collection method: clinical testing. Allele origin: germline. Affected: no.

University of Washington Department of Laboratory Medicine, University of Washington
Classification: Likely benign for Familial multiple polyposis syndrome. Last evaluated: 2018-04-01. Review status: criteria provided, single submitter. Criteria: Tsai GJ et al. (Genet Med 2018). Collection method: research. Allele origin: germline. Inheritance: Autosomal dominant inheritance. Affected: no.
Comment: The APC variant designated as NM_000038.5:c.2658G>T (p.Gln886His) is classified as likely benign. This observation is not consistent with either attenuated or classic familial adenomatous polyposis syndromes (Grover et al. 2012, PMID:22851115). Additional family members at risk of inheriting the variant have been documented to have no colon polyps. Bayesian analysis integrating all of this data (Tavtigian et al, 2018, PMID:29300386) gives a <1% probability of pathogenicity, which is consistent with a classification of likely benign. A modest (less than 2 fold) increase in cancer risk due to this variant cannot be entirely excluded. This analysis was performed in conjunction with the family studies project as part of the University of Washington Find My Variant Study.

Illumina Laboratory Services, Illumina
Classification: Uncertain significance for APC-Associated Polyposis Disorders. Last evaluated: 2018-01-13. Review status: criteria provided, single submitter. Criteria: ICSL Variant Classification Criteria 13 December 2019. Collection method: clinical testing. Allele origin: germline.

GeneDx
Classification: Uncertain significance. Last evaluated: 2017-05-22. Review status: criteria provided, single submitter. Criteria: GeneDx Variant Classification (06012015). Collection method: clinical testing. Allele origin: germline. Affected: yes.
Comment: This variant is denoted APC c.2658G>T at the cDNA level, p.Gln886His (Q886H) at the protein level, and results in the change of a Glutamine to a Histidine (CAG>CAT). This variant has not, to our knowledge, been published in the literature as pathogenic or benign. APC Gln886His was not observed in approximately 6,500 individuals of European and African American ancestry in the NHLBI Exome Sequencing Project, indicating it is not a common benign variant in these populations. Since Glutamine and Histidine differ in some properties, this is considered a semi-conservative amino acid substitution. APC Gln886His occurs at a position that is conserved through mammals and is not located in a known functional domain (UniProt). In silico analyses predict that this variant is probably damaging to protein structure and function. Based on currently available information, it is unclear whether APC Gln886His is pathogenic or benign. We consider it to be a variant of uncertain significance.

Counsyl
Classification: Uncertain significance for Familial adenomatous polyposis 1. Last evaluated: 2016-03-08. Review status: no assertion criteria provided. Collection method: clinical testing. Allele origin: unknown. Not counted in ClinVar's aggregate classification.

Literature cited by the submitters: PubMed 30374176 (cited by Quest Diagnostics Nichols Institute San Juan Capistrano and Department of Pathology and Laboratory Medicine, Sinai Health System); PubMed 27153395 (cited by Quest Diagnostics Nichols Institute San Juan Capistrano); PubMed 22851115 (cited by University of Washington Department of Laboratory Medicine, University of Washington).